The following is an entry in ClinVar:

NM_000548.5(TSC2):c.4663-16_4663-15del

Gene: TSC2 (TSC complex subunit 2; plus strand). Cytogenetic location: 16p13.3.
Variant type: Microsatellite.
Coding change: c.4663-16_4663-15del on transcript NM_000548.5 (MANE Select); 16 bases into the intron before coding-DNA position 4663 through 15 bases into the intron before coding-DNA position 4663, 2 bases deleted (TC; older notation c.4663-16_4663-15delTC).
Molecular consequence: intron variant.
Genome position (GRCh38, 1-based): chr16:2,086,177-2,086,178, TC deleted; deleting any 2 consecutive bases within chr16:2,086,174-2,086,178 gives the same sequence; the c. name uses the placement nearest the transcript's 3' end. VCF-style (leftmost placement, unchanged base first): chr16-2086173-CCT-C. GRCh37 (hg19) VCF-style: chr16-2136174-CCT-C.
Other names: c.4663-16_4663-15delTC (NM_000548.3); c.4594-16_4594-15del (NM_001114382.3); c.4534-16_4534-15del (NM_021055.3, NM_001370405.1); c.4465-16_4465-15del (NM_001363528.2); c.4531-16_4531-15del (NM_001370404.1); c.4462-16_4462-15del (NM_001077183.3); c.4354-16_4354-15del (NM_001318827.2); c.3931-16_3931-15del (NM_001318831.2); and 2 more.
Identifiers: ClinVar variation 207688 (VCV000207688.14), dbSNP rs796053477, ClinGen allele CA052154.

ClinVar aggregate classification (germline): Benign/Likely benign. Review status: criteria provided, multiple submitters, no conflicts (2 of 4 stars). 7 submissions from 7 submitters: Benign (4); Likely benign (3). Last evaluated 2026-02-02.

Conditions:
Tuberous sclerosis 2 (TSC2). Identifiers: Orphanet 805, MedGen C1860707, MONDO:0013199, OMIM 613254.
Lymphangiomyomatosis (LAM). Also called: Lymphangioleiomyomatosis, somatic; Lymphangioleiomyomatosis. Identifiers: Orphanet 538, MedGen C0751674, MONDO:0011705, OMIM 606690.
Isolated focal cortical dysplasia type II (FCORD2). Also called: CORTICAL DYSPLASIA OF TAYLOR; Focal cortical dysplasia type II. Identifiers: Orphanet 268994, MedGen C1846385, MONDO:0011818, OMIM 607341, HP:0032051.

Submissions (7):

Labcorp Genetics (formerly Invitae), Labcorp
Classification: Benign for Tuberous sclerosis 2. Last evaluated: 2026-02-02. Review status: criteria provided, single submitter. Criteria: Invitae Variant Classification Sherloc (09022015). Collection method: clinical testing. Allele origin: germline.

Myriad Genetics, Inc.
Classification: Benign for Tuberous sclerosis 2. Last evaluated: 2025-06-04. Review status: criteria provided, single submitter. Criteria: Myriad Autosomal Dominant, Autosomal Recessive and X-Linked Classification Criteria (2023). Collection method: clinical testing. Allele origin: unknown.
Comment: This variant is considered benign. This variant is intronic and is not expected to impact mRNA splicing. This variant has been observed at a population frequency that is significantly greater than expected given the associated disease prevalence and penetrance. Homozygosity has been confirmed in one or more individuals. As homozygosity for pathogenic variants in this gene is generally assumed to result in embryonic lethality, this variant is unlikely to be pathogenic.

Blueprint Genetics
Classification: Likely benign. Last evaluated: 2024-11-11. Review status: criteria provided, single submitter. Criteria: ACMG Guidelines, 2015. Collection method: clinical testing. Allele origin: germline.

Department of Pathology and Laboratory Medicine, Sinai Health System
Classification: Likely benign for Lymphangiomyomatosis; Isolated focal cortical dysplasia type II; Tuberous sclerosis 2. Last evaluated: 2023-11-01. Review status: criteria provided, single submitter. Criteria: ACMG Guidelines, 2015. Collection method: clinical testing. Allele origin: germline.

Genome-Nilou Lab
Classification: Benign for Tuberous sclerosis 2. Last evaluated: 2021-11-07. Review status: criteria provided, single submitter. Criteria: ACMG Guidelines, 2015. Collection method: clinical testing. Allele origin: germline. Affected: no.

GeneDx
Classification: Benign. Last evaluated: 2014-07-28. Review status: criteria provided, single submitter. Criteria: GeneDx Variant Classification (06012015). Collection method: clinical testing. Allele origin: germline. Affected: yes.
Comment: The variant is found in EPILEPSY panel(s).

PreventionGenetics, part of Exact Sciences
Classification: Likely benign. Review status: criteria provided, single submitter. Criteria: ACMG Guidelines, 2015. Collection method: clinical testing. Allele origin: germline.